The following is an entry in ClinVar:

NM_007294.4(BRCA1):c.4493del (p.Pro1498fs)

Gene: BRCA1 (BRCA1 DNA repair associated; minus strand). Cytogenetic location: 17q21.31.
Variant type: Deletion.
Coding change: c.4493del on transcript NM_007294.4 (MANE Select); coding-DNA position 4493, one base deleted (C; older notation c.4493delC).
Protein change: p.Pro1498fs; shifts the reading frame from proline 1498.
Molecular consequence: frameshift variant. On other transcripts: non-coding transcript variant (1).
Genome position (GRCh38, 1-based): chr17:43,074,513, G deleted on the plus strand (C on the coding strand, the reverse complement: BRCA1 is on the minus strand); the first of 4 consecutive G bases (chr17:43,074,513-43,074,516); deleting any one gives the same sequence. VCF-style (leftmost placement, unchanged base first): chr17-43074512-AG-A. GRCh37 (hg19) VCF-style: chr17-41226529-AG-A.
Other names: 4612delC; c.4406delC, p.Pro1470Leufs (NM_001407661.1, NM_001407662.1, NM_001407663.1 and 2 more transcripts); c.4367delC, p.Pro1457Leufs (NM_001407664.1, NM_001407665.1, NM_001407666.1 and 6 more transcripts); c.4364delC, p.Pro1456Leufs (NM_001407670.1, NM_001407671.1, NM_001407672.1 and 11 more transcripts); c.4361delC, p.Pro1455Leufs (NM_001407681.1, NM_001407682.1, NM_001407683.1 and 6 more transcripts); c.4490delC, p.Pro1498Leufs (NM_001407684.1, NM_001407854.1, NM_001407593.1 and 8 more transcripts); c.4358delC, p.Pro1454Leufs (NM_001407690.1, NM_001407691.1); c.4349delC, p.Pro1451Leufs (NM_001407692.1, NM_001407694.1, NM_001407695.1 and 12 more transcripts); and 73 more; short protein forms P1519fs, P1498fs, P1451fs, P394fs.
Identifiers: ClinVar variation 91631 (VCV000091631.19), dbSNP rs398122687, ClinGen allele CA002885.

ClinVar aggregate classification (germline): Pathogenic. Review status: reviewed by expert panel (3 of 4 stars). 10 submissions from 9 submitters: Pathogenic (1). 9 of the submissions do not count toward it. Last evaluated 2016-09-08.

Conditions:
Malignant tumor of breast. Also called: Cancer breast; Malignant breast neoplasm. Identifiers: MedGen C0006142, MONDO:0007254. Disease mechanism: loss of function.
Breast-ovarian cancer, familial, susceptibility to, 1 (BROVCA1). Also called: BRCA1 Hereditary Breast and Ovarian Cancer; OVARIAN CANCER, SUSCEPTIBILITY TO. Identifiers: Orphanet 145, MedGen C2676676, MONDO:0011450, OMIM 604370. Disease mechanism: loss of function.
Familial cancer of breast. Also called: hereditary breast carcinoma; BREAST CANCER, FAMILIAL; Hereditary breast cancer. Identifiers: Orphanet 227535, MedGen C0346153, MONDO:0016419, OMIM 114480. Disease mechanism: loss of function.
Fanconi anemia, complementation group S (FANCS). Identifiers: MedGen C4554406, MONDO:0054748, OMIM 617883.
Hereditary cancer-predisposing syndrome. Also called: Hereditary Cancer Syndrome; Hereditary neoplastic syndrome; Neoplastic Syndromes, Hereditary; Tumor predisposition. Identifiers: Orphanet 140162, MedGen C0027672, MeSH D009386, MONDO:0015356.
Hereditary breast ovarian cancer syndrome. Also called: BRCA1- and BRCA2-Associated Hereditary Breast and Ovarian Cancer; Hereditary breast and ovarian cancer syndrome; Hereditary breast and ovarian cancer syndrome (HBOC); Breast and ovarian cancer; Hereditary breast and/or ovarian cancer syndrome; Hereditary breast and ovarian cancer. Identifiers: Orphanet 145, MedGen C0677776, MeSH D061325, MONDO:0003582. Disease mechanism: loss of function.

Submissions (10):

Evidence-based Network for the Interpretation of Germline Mutant Alleles (ENIGMA)
Classification: Pathogenic for Breast-ovarian cancer, familial, susceptibility to, 1. Last evaluated: 2016-09-08. Review status: reviewed by expert panel. Criteria: ENIGMA BRCA1/2 Classification Criteria (2015). Collection method: curation. Allele origin: germline.
Comment: Variant allele predicted to encode a truncated non-functional protein.

Ambry Genetics
Classification: Pathogenic for Hereditary cancer-predisposing syndrome. Last evaluated: 2026-02-25. Review status: criteria provided, single submitter. Criteria: Ambry Variant Classification Scheme 2023. Collection method: clinical testing. Allele origin: germline. Not counted in ClinVar's aggregate classification.
Comment: The c.4493delC pathogenic mutation, located in coding exon 13 of the BRCA1 gene, results from a deletion of one nucleotide at nucleotide position 4493, causing a translational frameshift with a predicted alternate stop codon (p.P1498Lfs*7). This variant is considered to be rare based on population cohorts in the Genome Aggregation Database (gnomAD). This variant is expected to result in loss of function by premature protein truncation or nonsense-mediated mRNA decay. As such, this variant is interpreted as a disease-causing mutation.

Labcorp Genetics (formerly Invitae), Labcorp
Classification: Pathogenic for Hereditary breast ovarian cancer syndrome. Last evaluated: 2025-01-27. Review status: criteria provided, single submitter. Criteria: Invitae Variant Classification Sherloc (09022015). Collection method: clinical testing. Allele origin: germline. Not counted in ClinVar's aggregate classification.
Comment: This sequence change creates a premature translational stop signal (p.Pro1498Leufs*7) in the BRCA1 gene. It is expected to result in an absent or disrupted protein product. Loss-of-function variants in BRCA1 are known to be pathogenic (PMID: 20104584). This variant is not present in population databases (gnomAD no frequency). This premature translational stop signal has been observed in individual(s) with BRCA1-related conditions (PMID: 21520333). ClinVar contains an entry for this variant (Variation ID: 91631). For these reasons, this variant has been classified as Pathogenic.

Molecular Pathology, Peter Maccallum Cancer Centre
Classification: Pathogenic for Breast-ovarian cancer, familial, susceptibility to, 1. Last evaluated: 2025-01-08. Review status: criteria provided, single submitter. Criteria: ACMG Guidelines, 2015. Collection method: clinical testing. Allele origin: germline. Inheritance: Autosomal dominant inheritance. Not counted in ClinVar's aggregate classification.

Color Diagnostics, LLC DBA Color Health
Classification: Pathogenic for Hereditary cancer-predisposing syndrome. Last evaluated: 2020-01-15. Review status: criteria provided, single submitter. Criteria: ACMG Guidelines, 2015. Collection method: clinical testing. Allele origin: germline. Not counted in ClinVar's aggregate classification.
Comment: This variant deletes 1 nucleotide in exon 14 of the BRCA1 gene, creating a frameshift and premature translation stop signal. This variant is expected to result in an absent or non-functional protein product. This variant has not been identified in the general population by the Genome Aggregation Database (gnomAD). Loss of BRCA1 function is a known mechanism of disease. Based on the available evidence, this variant is classified as Pathogenic.

Department of Pathology and Laboratory Medicine, Sinai Health System
Classification: Pathogenic for Familial cancer of breast; Breast-ovarian cancer, familial, susceptibility to, 1; Fanconi anemia, complementation group S. Last evaluated: 2019-04-01. Review status: criteria provided, single submitter. Criteria: ACMG Guidelines, 2015. Collection method: research. Allele origin: germline. Not counted in ClinVar's aggregate classification.

Quest Diagnostics Nichols Institute San Juan Capistrano
Classification: Pathogenic. Last evaluated: 2018-06-13. Review status: criteria provided, single submitter. Criteria: Quest Diagnostics criteria. Collection method: clinical testing. Allele origin: germline. Not counted in ClinVar's aggregate classification.

Consortium of Investigators of Modifiers of BRCA1/2 (CIMBA), c/o University of Cambridge
Classification: Pathogenic for Breast-ovarian cancer, familial, susceptibility to, 1. Last evaluated: 2015-10-02. Review status: criteria provided, single submitter. Criteria: CIMBA Mutation Classification guidelines May 2016. Collection method: clinical testing. Allele origin: germline. Not counted in ClinVar's aggregate classification.

Sharing Clinical Reports Project (SCRP)
Classification: Pathogenic for Breast-ovarian cancer, familial 1. Last evaluated: 2007-03-22. Review status: no assertion criteria provided. Collection method: clinical testing. Allele origin: germline. Not counted in ClinVar's aggregate classification.

Department of Pathology and Laboratory Medicine, Sinai Health System
Classification: Pathogenic for Malignant tumor of breast. Review status: no assertion criteria provided. Collection method: clinical testing. Allele origin: unknown. Affected: yes. Study: The Canadian Open Genetics Repository (COGR). Not counted in ClinVar's aggregate classification.
Comment: The p.Pro1498LeufsX7 variant has not been identified in the literature or in the public databases. The p.Pro1498LeufsX7 variant is predicted to cause a frameshift, which alters the protein's amino acid sequence beginning at codon 1498, leading to a premature stop codon 7 amino acids downstream, thus overall resulting in a truncated or absent BRCA1 protein. Loss of function of the BRCA1 gene is an established disease mechanism in familial breast and ovarian cancer patients, In summary, based on the above information, this variant is classified as pathogenic

Literature cited by the submitters: PubMed 20104584 (cited by Labcorp Genetics (formerly Invitae), Labcorp); PubMed 21520333 (cited by Labcorp Genetics (formerly Invitae), Labcorp).